The following is an entry in ClinVar:

ClinVar aggregate classification (germline): Likely benign (0 of 4 stars; one submission).

Conditions:
TAOK1-related disorder. Also called: TAOK1-related condition.

Submission:

PreventionGenetics, part of Exact Sciences
Classification: Likely benign for TAOK1-related condition. Last evaluated: 2019-10-29. Review status: no assertion criteria provided. Collection method: clinical testing. Allele origin: germline.
Comment: This variant is classified as likely benign based on ACMG/AMP sequence variant interpretation guidelines (Richards et al. 2015 PMID: 25741868, with internal and published modifications).

NM_020791.4(TAOK1):c.2362-22TC[6]

Gene: TAOK1 (TAO kinase 1; plus strand). Cytogenetic location: 17q11.2.
Variant type: Microsatellite.
Coding change: c.2362-22TC[6] on transcript NM_020791.4 (MANE Select); six copies in a row of the 2-base unit TC starting at c.2362-22.
Molecular consequence: intron variant.
Genome position: GRCh38 VCF-style: chr17-29534095-TTC-T. GRCh37 (hg19) VCF-style: chr17-27861113-TTC-T.
Other names: c.1918-22TC[6] (NM_025142.1).
Identifiers: ClinVar variation 3058900 (VCV003058900.2), dbSNP rs150300324, ClinGen allele CA8474843.